The following is an entry in ClinVar:

ClinVar aggregate classification (germline): Uncertain significance. Review status: criteria provided, multiple submitters, no conflicts (2 of 4 stars). 2 submissions from 2 submitters: Uncertain significance (2). Last evaluated 2025-04-07.

Conditions:
Inborn genetic diseases. Identifiers: MedGen C0950123, MeSH D030342.

Allele frequency attached by ClinVar (database versions not stated): gnomAD exomes 0.00018; ESP Exome Variant Server 0.00008; TOPMed 0.00010; gnomAD 0.00011; ExAC 0.00012.
gnomAD v4.1: 273 of 1,612,580 alleles (0.017%); highest among the groups gnomAD compares: Non-Finnish European, 0.02%; no homozygotes.

Submissions (2):

Ambry Genetics
Classification: Uncertain significance for Inborn genetic diseases. Last evaluated: 2025-04-07. Review status: criteria provided, single submitter. Criteria: Ambry Variant Classification Scheme 2023. Collection method: clinical testing. Allele origin: germline.

GeneDx
Classification: Uncertain significance. Last evaluated: 2024-02-08. Review status: criteria provided, single submitter. Criteria: GeneDx Variant Classification Process June 2021. Collection method: clinical testing. Allele origin: germline. Affected: yes.
Comment: In silico analysis supports that this missense variant has a deleterious effect on protein structure/function; Has not been previously published as pathogenic or benign to our knowledge

NM_018245.3(OGDHL):c.2321G>A (p.Gly774Asp)

Gene: OGDHL (oxoglutarate dehydrogenase L; minus strand). Cytogenetic location: 10q11.23.
Variant type: single nucleotide variant.
Coding change: c.2321G>A on transcript NM_018245.3 (MANE Select); coding-DNA position 2321, G replaced by A.
Protein change: p.Gly774Asp; replaces glycine 774 with aspartic acid.
Molecular consequence: missense variant. On other transcripts: non-coding transcript variant (5).
Genome position (GRCh38, 1-based): chr10:49,738,261, C>T on the plus strand (G>A on the coding strand, the complement: OGDHL is on the minus strand). VCF-style: chr10-49738261-C-T. GRCh37 (hg19) VCF-style: chr10-50946307-C-T.
Other names: c.2150G>A, p.Gly717Asp (NM_001143996.2, NM_001347820.1); c.1694G>A, p.Gly565Asp (NM_001143997.2, NM_001347821.2, NM_001347822.1); c.2321G>A, p.Gly774Asp (NM_001347819.1); c.2141G>A, p.Gly714Asp (NM_001347823.1, NM_001347824.2); c.1514G>A, p.Gly505Asp (NM_001347825.2); c.1124G>A, p.Gly375Asp (NM_001347826.1); short protein forms G565D, G774D, G375D, G714D, G717D, G505D.
Identifiers: ClinVar variation 2465218 (VCV002465218.4), dbSNP rs202185236, ClinGen allele CA5498223.